The following is an entry in ClinVar:

ClinVar aggregate classification (germline): Uncertain significance (1 of 4 stars; one submission).

gnomAD v4.1: 8 of 1,113,424 alleles (0.00072%); highest among the groups gnomAD compares: East Asian, 0.0094%; no homozygotes.

Submission:

Labcorp Genetics (formerly Invitae), Labcorp
Classification: Uncertain significance. Last evaluated: 2025-06-19. Review status: criteria provided, single submitter. Criteria: Invitae Variant Classification Sherloc (09022015). Collection method: clinical testing. Allele origin: germline.
Comment: This sequence change replaces alanine, which is neutral and non-polar, with valine, which is neutral and non-polar, at codon 681 of the IL12RB2 protein (p.Ala681Val). This variant is not present in population databases (gnomAD no frequency). This variant has not been reported in the literature in individuals affected with IL12RB2-related conditions. An algorithm developed to predict the effect of missense changes on protein structure and function outputs the following: PolyPhen-2: "Benign". The valine amino acid residue is found in multiple mammalian species, which suggests that this missense change does not adversely affect protein function. In summary, the available evidence is currently insufficient to determine the role of this variant in disease. Therefore, it has been classified as a Variant of Uncertain Significance.

NM_001374259.2(IL12RB2):c.2042C>T (p.Ala681Val)

Gene: IL12RB2 (interleukin 12 receptor subunit beta 2; plus strand). Cytogenetic location: 1p31.3.
Variant type: single nucleotide variant.
Coding change: c.2042C>T on transcript NM_001374259.2 (MANE Select); coding-DNA position 2042, C replaced by T.
Protein change: p.Ala681Val; replaces alanine 681 with valine.
Molecular consequence: missense variant. On other transcripts: non-coding transcript variant (2), intron variant (3).
Genome position (GRCh38, 1-based): chr1:67,390,124, C>T. VCF-style: chr1-67390124-C-T. GRCh37 (hg19) VCF-style: chr1-67855807-C-T.
Other names: c.1784C>T, p.Ala595Val (NM_001258215.1); c.2042C>T, p.Ala681Val (NM_001559.3); c.1946+3455C>T (NM_001258214.1, NM_001319233.1); c.1856-5423C>T (NM_001258216.1); short protein forms A595V, A681V.
Identifiers: ClinVar variation 4693012 (VCV004693012.1).